The following is an entry in ClinVar:

NM_013339.4(ALG6):c.103T>A (p.Phe35Ile)

Gene: ALG6 (ALG6 alpha-1,3-glucosyltransferase; plus strand). Cytogenetic location: 1p31.3.
Variant type: single nucleotide variant.
Coding change: c.103T>A on transcript NM_013339.4 (MANE Select); coding-DNA position 103, T replaced by A.
Protein change: p.Phe35Ile; replaces phenylalanine 35 with isoleucine.
Molecular consequence: missense variant.
Genome position (GRCh38, 1-based): chr1:63,396,533, T>A. VCF-style: chr1-63396533-T-A. GRCh37 (hg19) VCF-style: chr1-63862204-T-A.
Other names: short protein forms F35I.
Identifiers: ClinVar variation 1690669 (VCV001690669.4), dbSNP rs2100404930, ClinGen allele CA340632724.

ClinVar aggregate classification (germline): Uncertain significance. Review status: criteria provided, multiple submitters, no conflicts (2 of 4 stars). 2 submissions from 2 submitters: Uncertain significance (2). Last evaluated 2025-05-21.

gnomAD v4.1: 1 of 1,614,122 alleles (0.000062%); no homozygotes.

Submissions (2):

Dasa
Classification: Uncertain significance. Last evaluated: 2025-05-21. Review status: criteria provided, single submitter. Criteria: DASA Assertion Criteria. Collection method: clinical testing. Allele origin: germline.
Comment: NM_013339.4(ALG6):c.103T>A (p.Phe35Ile) is a missense variant that results in the substitution of phenylalanine with isoleucine. This variant is rare in population databases. Computational prediction algorithms are consistent with a deleterious effect. The currently available literature and clinical evidence are not sufficient to establish a definitive association between this variant and the reported condition. Therefore, this variant is classified as a variant of uncertain significance.

Laboratorio de Genetica e Diagnostico Molecular, Hospital Israelita Albert Einstein
Classification: Uncertain significance. Last evaluated: 2019-08-14. Review status: criteria provided, single submitter. Criteria: ACMG Guidelines, 2015. Collection method: clinical testing. Allele origin: germline. Affected: yes.
Comment: ACMG classification criteria: PM2, PP3